The following is an entry in ClinVar:

NM_006372.5(SYNCRIP):c.1433G>A (p.Arg478His)

Gene: SYNCRIP (synaptotagmin binding cytoplasmic RNA interacting protein; minus strand). Cytogenetic location: 6q14.3.
Variant type: single nucleotide variant.
Coding change: c.1433G>A on transcript NM_006372.5 (MANE Select); coding-DNA position 1433, G replaced by A.
Protein change: p.Arg478His; replaces arginine 478 with histidine.
Molecular consequence: missense variant.
Genome position (GRCh38, 1-based): chr6:85,615,195, C>T on the plus strand (G>A on the coding strand, the complement: SYNCRIP is on the minus strand). VCF-style: chr6-85615195-C-T. GRCh37 (hg19) VCF-style: chr6-86324913-C-T.
Other names: c.1139G>A, p.Arg380His (NM_001159673.2, NM_001410938.1, NM_001439159.1); c.1328G>A, p.Arg443His (NM_001159674.2, NM_001159675.2); c.1433G>A, p.Arg478His (NM_001159676.2, NM_001159677.2, NM_001439158.1 and 3 more transcripts); c.977G>A, p.Arg326His (NM_001253771.2); short protein forms R326H, R380H, R443H, R478H.
Identifiers: ClinVar variation 5020454 (VCV005020454.1).

ClinVar aggregate classification (germline): Uncertain significance (1 of 4 stars; one submission).

gnomAD v4.1: 3 of 1,611,288 alleles (0.00019%); highest among the groups gnomAD compares: East Asian, 0.0022%; no homozygotes.

Submission:

Dasa
Classification: Uncertain significance. Last evaluated: 2026-05-29. Review status: criteria provided, single submitter. Criteria: DASA Assertion Criteria. Collection method: clinical testing. Allele origin: germline.
Comment: NM_006372.5(SYNCRIP):c.1433G>A (p.Arg478His) is a missense variant that results in the substitution of arginine with histidine. This variant is rare in population databases. The currently available literature and clinical evidence are not sufficient to establish a definitive association between this variant and the reported condition. Therefore, this variant is classified as a variant of uncertain significance.